The following is an entry in ClinVar:

NM_020791.4(TAOK1):c.970C>G (p.Pro324Ala)

Gene: TAOK1 (TAO kinase 1; plus strand). Cytogenetic location: 17q11.2.
Variant type: single nucleotide variant.
Coding change: c.970C>G on transcript NM_020791.4 (MANE Select); coding-DNA position 970, C replaced by G.
Protein change: p.Pro324Ala; replaces proline 324 with alanine.
Molecular consequence: missense variant.
Genome position (GRCh38, 1-based): chr17:29,495,698, C>G. VCF-style: chr17-29495698-C-G. GRCh37 (hg19) VCF-style: chr17-27822716-C-G.
Other names: c.970C>G, p.Pro324Ala (NM_025142.1); short protein forms P324A.
Identifiers: ClinVar variation 3776011 (VCV003776011.1).

ClinVar aggregate classification (germline): Uncertain significance (1 of 4 stars; one submission).

Conditions:
Developmental delay with or without intellectual impairment or behavioral abnormalities. Identifiers: MedGen C5562004, MONDO:0859199, OMIM 619575.

Submission:

3billion
Classification: Uncertain significance for Developmental delay with or without intellectual impairment or behavioral abnormalities. Last evaluated: 2024-01-09. Review status: criteria provided, single submitter. Criteria: ACMG Guidelines, 2015. Collection method: clinical testing. Allele origin: germline. Affected: yes.
Comment: The variant is not observed in the gnomAD v2.1.1 dataset. Predicted Consequence/Location: Missense changes are a common disease-causing mechanism. In silico tool predictions suggest damaging effect of the variant on gene or gene product [REVEL: 0.66 (>=0.6, sensitivity 0.68 and specificity 0.92)]. Therefore, this variant is classified as VUS according to the recommendation of ACMG/AMP guideline.